The following is an entry in ClinVar:

NM_025179.4(PLXNA2):c.3125G>A (p.Arg1042Gln)

Gene: PLXNA2 (plexin A2; minus strand). Cytogenetic location: 1q32.2.
Variant type: single nucleotide variant.
Coding change: c.3125G>A on transcript NM_025179.4 (MANE Select); coding-DNA position 3125, G replaced by A.
Protein change: p.Arg1042Gln; replaces arginine 1042 with glutamine.
Molecular consequence: missense variant.
Genome position (GRCh38, 1-based): chr1:208,051,292, C>T on the plus strand (G>A on the coding strand, the complement: PLXNA2 is on the minus strand). VCF-style: chr1-208051292-C-T. GRCh37 (hg19) VCF-style: chr1-208224637-C-T.
Other names: short protein forms R1042Q.
Identifiers: ClinVar variation 4978924 (VCV004978924.1).

ClinVar aggregate classification (germline): Uncertain significance (1 of 4 stars; one submission).

Conditions:
PLXNA2-related disorder. Also called: PLXNA2-related condition.

gnomAD v4.1: 11 of 1,612,970 alleles (0.00068%); highest among the groups gnomAD compares: South Asian, 0.0033%; no homozygotes.

Submission:

PreventionGenetics, part of Exact Sciences
Classification: Uncertain significance for PLXNA2-related condition. Last evaluated: 2026-09-26. Review status: criteria provided, single submitter. Criteria: ACMG Guidelines, 2015. Collection method: clinical testing. Allele origin: germline.
Comment: The PLXNA2 c.3125G>A variant is predicted to result in the amino acid substitution p.Arg1042Gln. To our knowledge, this variant has not been reported in the literature. This variant is reported in 0.0062% of alleles in individuals of African descent in gnomAD. At this time, the clinical significance of this variant is uncertain due to the absence of conclusive functional and genetic evidence.